The following is an entry in ClinVar:

ClinVar aggregate classification (germline): Pathogenic (1 of 4 stars; one submission).

Conditions:
Osteogenesis imperfecta type I (OI1). Also called: OI, TYPE I; OSTEOGENESIS IMPERFECTA TARDA; OSTEOGENESIS IMPERFECTA WITH BLUE SCLERAE; Osteogenesis imperfecta type 1; Lobstein disease; Classic Non-deforming Osteogenesis Imperfecta with Blue Sclerae. Identifiers: Orphanet 216796, Orphanet 666, MedGen C0023931, MONDO:0008146, OMIM 166200. Disease mechanism: loss of function.

Submission:

Labcorp Genetics (formerly Invitae), Labcorp
Classification: Pathogenic for Osteogenesis imperfecta type I. Last evaluated: 2021-12-03. Review status: criteria provided, single submitter. Criteria: Invitae Variant Classification Sherloc (09022015). Collection method: clinical testing. Allele origin: germline.
Comment: For these reasons, this variant has been classified as Pathogenic. This variant has not been reported in the literature in individuals affected with COL1A1-related conditions. This variant is not present in population databases (gnomAD no frequency). This sequence change creates a premature translational stop signal (p.Pro477Aspfs*65) in the COL1A1 gene. It is expected to result in an absent or disrupted protein product. Loss-of-function variants in COL1A1 are known to be pathogenic (PMID: 7942841, 9295084, 9443882).

Literature cited by the submitters: PubMed 7942841; PubMed 9295084; PubMed 9443882.

NM_000088.4(COL1A1):c.1426_1427dup (p.Pro477fs)

Gene: COL1A1 (collagen type I alpha 1 chain; minus strand). Cytogenetic location: 17q21.33.
Variant type: Duplication.
Coding change: c.1426_1427dup on transcript NM_000088.4 (MANE Select); coding-DNA positions 1426 to 1427, 2 bases duplicated (GG; older notation c.1426_1427dupGG).
Protein change: p.Pro477fs; shifts the reading frame from proline 477.
Molecular consequence: frameshift variant.
Genome position (GRCh38, 1-based): chr17:50,194,755-50,194,756, CC duplicated on the plus strand (GG on the coding strand, the reverse complement: COL1A1 is on the minus strand). VCF-style (leftmost placement, unchanged base first): chr17-50194754-T-TCC. GRCh37 (hg19) VCF-style: chr17-48272115-T-TCC.
Other names: short protein forms P477fs.
Identifiers: ClinVar variation 1391888 (VCV001391888.6), dbSNP rs2144573120, ClinGen allele CA2573154186.